The following is an entry in ClinVar:

NM_018127.7(ELAC2):c.1094C>T (p.Thr365Ile)

Gene: ELAC2 (elaC ribonuclease Z 2; minus strand). Cytogenetic location: 17p12.
Variant type: single nucleotide variant.
Coding change: c.1094C>T on transcript NM_018127.7 (MANE Select); coding-DNA position 1094, C replaced by T.
Protein change: p.Thr365Ile; replaces threonine 365 with isoleucine.
Molecular consequence: missense variant.
Genome position (GRCh38, 1-based): chr17:13,002,565, G>A on the plus strand (C>T on the coding strand, the complement: ELAC2 is on the minus strand). VCF-style: chr17-13002565-G-A. GRCh37 (hg19) VCF-style: chr17-12905882-G-A.
Other names: c.974C>T, p.Thr325Ile (NM_001165962.2); c.1094C>T, p.Thr365Ile (NM_173717.2); short protein forms T325I, T365I.
Identifiers: ClinVar variation 1371970 (VCV001371970.4), dbSNP rs1000361851, ClinGen allele CA288083418.
Genomic context (GRCh38, chr17:13,002,565, plus strand): 5'-ATCTTGTGGCTGCGAAGGTTGTGAACTGAGGCACAGTTCTCATTCAGGACCAAGTGCTGG[G>A]TGTCAGGCCCAAACCTGTGAAGAAACAGACCCGGCATTTGCAGCGTCTGTTAGGAGGCAG-3'
Protein context (NP_060597.4, residues 355-375): QQWMERFGPD[Thr365Ile]QHLVLNENCA

ClinVar aggregate classification (germline): Uncertain significance (1 of 4 stars; one submission).

Conditions:
Combined oxidative phosphorylation defect type 17. Also called: Combined oxidative phosphorylation deficiency 17. Identifiers: Orphanet 369913, MedGen C3809526, MONDO:0014190, OMIM 615440.

Allele frequency attached by ClinVar (database versions not stated): gnomAD exomes below 0.00001; TOPMed 0.00001.
gnomAD v4.1: 4 of 1,602,818 alleles (0.00025%); highest among the groups gnomAD compares: Non-Finnish European, 0.000085%; no homozygotes.

Submission:

Labcorp Genetics (formerly Invitae), Labcorp
Classification: Uncertain significance for Combined oxidative phosphorylation defect type 17. Last evaluated: 2022-05-12. Review status: criteria provided, single submitter. Criteria: Invitae Variant Classification Sherloc (09022015). Collection method: clinical testing. Allele origin: germline.
Comment: This sequence change replaces threonine, which is neutral and polar, with isoleucine, which is neutral and non-polar, at codon 365 of the ELAC2 protein (p.Thr365Ile). The frequency data for this variant in the population databases is considered unreliable, as metrics indicate poor data quality at this position in the gnomAD database. This variant has not been reported in the literature in individuals affected with ELAC2-related conditions. Algorithms developed to predict the effect of missense changes on protein structure and function are either unavailable or do not agree on the potential impact of this missense change (SIFT: "Tolerated"; PolyPhen-2: "Probably Damaging"; Align-GVGD: "Class C0"). In summary, the available evidence is currently insufficient to determine the role of this variant in disease. Therefore, it has been classified as a Variant of Uncertain Significance.